The following is an entry in ClinVar:

NM_001369268.1(ACAN):c.358G>T (p.Val120Phe)

Gene: ACAN (aggrecan; plus strand). Cytogenetic location: 15q26.1.
Variant type: single nucleotide variant.
Coding change: c.358G>T on transcript NM_001369268.1 (MANE Select); coding-DNA position 358, G replaced by T.
Protein change: p.Val120Phe; replaces valine 120 with phenylalanine.
Molecular consequence: missense variant.
Genome position (GRCh38, 1-based): chr15:88,838,950, G>T. VCF-style: chr15-88838950-G-T. GRCh37 (hg19) VCF-style: chr15-89382181-G-T.
Other names: c.358G>T, p.Val120Phe (NM_001135.4, NM_001411096.1, NM_001411097.1 and 1 more transcripts); short protein forms V120F.
Identifiers: ClinVar variation 2396226 (VCV002396226.6), dbSNP rs550721325, ClinGen allele CA7719201.

ClinVar aggregate classification (germline): Uncertain significance. Review status: criteria provided, multiple submitters, no conflicts (2 of 4 stars). 2 submissions from 2 submitters: Uncertain significance (2). Last evaluated 2025-05-14.

Conditions:
Inborn genetic diseases. Identifiers: MedGen C0950123, MeSH D030342.

Allele frequency attached by ClinVar (database versions not stated): TOPMed 0.00003; gnomAD 0.00009; 1000 Genomes Project 30x 0.00031; 1000 Genomes Project 0.00020; gnomAD exomes 0.00006; ExAC 0.00007.
gnomAD v4.1: 101 of 1,613,890 alleles (0.0063%); highest among the groups gnomAD compares: South Asian, 0.047%; no homozygotes.

Submissions (2):

Labcorp Genetics (formerly Invitae), Labcorp
Classification: Uncertain significance. Last evaluated: 2025-05-14. Review status: criteria provided, single submitter. Criteria: Invitae Variant Classification Sherloc (09022015). Collection method: clinical testing. Allele origin: germline.
Comment: This sequence change replaces valine, which is neutral and non-polar, with phenylalanine, which is neutral and non-polar, at codon 120 of the ACAN protein (p.Val120Phe). This variant is present in population databases (rs550721325, gnomAD 0.04%). This variant has not been reported in the literature in individuals affected with ACAN-related conditions. ClinVar contains an entry for this variant (Variation ID: 2396226). Invitae Evidence Modeling of protein sequence and biophysical properties (such as structural, functional, and spatial information, amino acid conservation, physicochemical variation, residue mobility, and thermodynamic stability) indicates that this missense variant is not expected to disrupt ACAN protein function with a negative predictive value of 80%. In summary, the available evidence is currently insufficient to determine the role of this variant in disease. Therefore, it has been classified as a Variant of Uncertain Significance.

Ambry Genetics
Classification: Uncertain significance for Inborn genetic diseases. Last evaluated: 2024-12-25. Review status: criteria provided, single submitter. Criteria: Ambry Variant Classification Scheme 2023. Collection method: clinical testing. Allele origin: germline.